The following is an entry in ClinVar:

ClinVar aggregate classification (germline): Benign/Likely benign. Review status: criteria provided, multiple submitters, no conflicts (2 of 4 stars). 7 submissions from 7 submitters: Benign (2); Likely benign (4). 1 of the submissions does not count toward it. Last evaluated 2026-01-15.

Conditions:
OTOG-related disorder. Also called: OTOG-related condition.

Allele frequency attached by ClinVar (database versions not stated): 1000 Genomes Project 0.00060; 1000 Genomes Project 30x 0.00078; TOPMed 0.00258; gnomAD 0.00307 and 0.00312; ExAC 0.00355.
gnomAD v4.1: 6,547 of 1,550,602 alleles (0.42%); highest among the groups gnomAD compares: Middle Eastern, 0.67%; 24 homozygotes.

Submissions (7):

Labcorp Genetics (formerly Invitae), Labcorp
Classification: Benign. Last evaluated: 2026-01-15. Review status: criteria provided, single submitter. Criteria: Invitae Variant Classification Sherloc (09022015). Collection method: clinical testing. Allele origin: germline.

CeGaT Center for Human Genetics Tuebingen
Classification: Likely benign. Last evaluated: 2025-12-01. Review status: criteria provided, single submitter. Criteria: CeGaT Center For Human Genetics Tuebingen Variant Classification Criteria Version 2. Collection method: clinical testing. Allele origin: germline. Affected: yes. Observed: 6 variant alleles.
Comment: OTOG: BP4, BP7, BS2

Blueprint Genetics
Classification: Likely benign. Last evaluated: 2024-11-27. Review status: criteria provided, single submitter. Criteria: ACMG Guidelines, 2015. Collection method: clinical testing. Allele origin: germline.

GeneDx
Classification: Likely benign. Last evaluated: 2021-06-08. Review status: criteria provided, single submitter. Criteria: GeneDx Variant Classification Process June 2021. Collection method: clinical testing. Allele origin: germline. Affected: yes.

Laboratory for Molecular Medicine, Mass General Brigham Personalized Medicine
Classification: Benign. Last evaluated: 2015-08-18. Review status: criteria provided, single submitter. Criteria: LMM Criteria. Collection method: clinical testing. Allele origin: germline. Observed: 7 variant alleles.
Comment: p.Lys293Lys in exon 7 of OTOG: This variant is not expected to have clinical sig nificance because it does not alter an amino acid residue and is not located wit hin the splice consensus sequence. It has been identified in 0.35% (54/15222) ch romosomes across ethnicities, including 1.68% (13/774) of Finnish chromosomes by the Exome Aggregation Consortium (ExAC; dbSNP r s570688276).

Breakthrough Genomics
Classification: Likely benign. Review status: criteria provided, single submitter. Criteria: ACMG Guidelines, 2015. Collection method: not provided. Allele origin: germline. Inheritance: Autosomal recessive inheritance. Affected: yes.

PreventionGenetics, part of Exact Sciences
Classification: Benign for OTOG-related condition. Last evaluated: 2019-05-17. Review status: no assertion criteria provided. Collection method: clinical testing. Allele origin: germline. Not counted in ClinVar's aggregate classification.
Comment: This variant is classified as benign based on ACMG/AMP sequence variant interpretation guidelines (Richards et al. 2015 PMID: 25741868, with internal and published modifications).

NM_001292063.2(OTOG):c.843G>A (p.Lys281=)

Gene: OTOG (otogelin; plus strand). Cytogenetic location: 11p15.1.
Variant type: single nucleotide variant.
Coding change: c.843G>A on transcript NM_001292063.2 (MANE Select); coding-DNA position 843, G replaced by A.
Protein change: p.Lys281=; no amino-acid change (lysine 281 retained).
Molecular consequence: synonymous variant.
Genome position (GRCh38, 1-based): chr11:17,557,301, G>A. VCF-style: chr11-17557301-G-A. GRCh37 (hg19) VCF-style: chr11-17578848-G-A.
Other names: c.879G>A, p.Lys293= (NM_001277269.2).
Identifiers: ClinVar variation 226924 (VCV000226924.42), dbSNP rs570688276, ClinGen allele CA5905405.